The following is an entry in ClinVar:

NM_000372.5(TYR):c.1516C>T (p.Gln506Ter)

Gene: TYR (tyrosinase; plus strand). Cytogenetic location: 11q14.3.
Variant type: single nucleotide variant.
Coding change: c.1516C>T on transcript NM_000372.5 (MANE Select); coding-DNA position 1516, C replaced by T.
Protein change: p.Gln506Ter; replaces glutamine 506 with a stop codon.
Molecular consequence: nonsense.
Genome position (GRCh38, 1-based): chr11:89,295,292, C>T. VCF-style: chr11-89295292-C-T. GRCh37 (hg19) VCF-style: chr11-89028460-C-T.
Other names: short protein forms Q506*.
Identifiers: ClinVar variation 5004598 (VCV005004598.1).

ClinVar aggregate classification (germline): Pathogenic (1 of 4 stars; one submission).

Conditions:
Oculocutaneous albinism type 1. Also called: Albinism 1; ALBINISM I. Identifiers: Orphanet 352731, MedGen C0268494, MONDO:0018135. Disease mechanism: loss of function.

Submission:

Myriad Genetics, Inc.
Classification: Pathogenic for Oculocutaneous albinism type 1. Last evaluated: 2026-04-24. Review status: criteria provided, single submitter. Criteria: Myriad Autosomal Dominant, Autosomal Recessive and X-Linked Classification Criteria (2023). Collection method: clinical testing. Allele origin: unknown.
Comment: NM_000372.4(TYR):c.1516C>T(Q506*) is a nonsense variant classified as likely pathogenic in the context of oculocutaneous albinism, TYR-related. Q506* has been observed in cases with relevant disease (PMID: 19865097, 40252993). Relevant functional assessments of this variant are available in the literature (PMID: 40252993). Q506* has not been observed in referenced population frequency databases. In summary, NM_000372.4(TYR):c.1516C>T(Q506*) is a nonsense variant that has functional support for pathogenicity and has been observed more frequently in cases with the relevant disease than in healthy populations. Please note: this variant was assessed in the context of healthy population screening.

Literature cited by the submitters: PubMed 19865097; PubMed 40252993.